The following is an entry in ClinVar:

NM_006904.7(PRKDC):c.1270C>T (p.Leu424Phe)

Gene: PRKDC (protein kinase, DNA-activated, catalytic subunit; minus strand). Cytogenetic location: 8q11.21.
Variant type: single nucleotide variant.
Coding change: c.1270C>T on transcript NM_006904.7 (MANE Select); coding-DNA position 1270, C replaced by T.
Protein change: p.Leu424Phe; replaces leucine 424 with phenylalanine.
Molecular consequence: missense variant.
Genome position (GRCh38, 1-based): chr8:47,936,361, G>A on the plus strand (C>T on the coding strand, the complement: PRKDC is on the minus strand). VCF-style: chr8-47936361-G-A. GRCh37 (hg19) VCF-style: chr8-48848921-G-A.
Other names: c.1270C>T, p.Leu424Phe (NM_001081640.2); short protein forms L424F.
Identifiers: ClinVar variation 1717436 (VCV001717436.5), dbSNP rs2551879707, ClinGen allele CA371166053.

ClinVar aggregate classification (germline): Uncertain significance (1 of 4 stars; one submission).

Conditions:
Severe combined immunodeficiency due to DNA-PKcs deficiency. Also called: IMMUNODEFICIENCY 26 WITH NEUROLOGIC ABNORMALITIES; Immunodeficiency 26 with or without neurologic abnormalities. Identifiers: Orphanet 317425, MedGen C4014833, MONDO:0014423, OMIM 615966.

Submission:

Labcorp Genetics (formerly Invitae), Labcorp
Classification: Uncertain significance for Severe combined immunodeficiency due to DNA-PKcs deficiency. Last evaluated: 2023-10-13. Review status: criteria provided, single submitter. Criteria: Invitae Variant Classification Sherloc (09022015). Collection method: clinical testing. Allele origin: germline.
Comment: This sequence change replaces leucine, which is neutral and non-polar, with phenylalanine, which is neutral and non-polar, at codon 424 of the PRKDC protein (p.Leu424Phe). This variant is not present in population databases (gnomAD no frequency). This variant has not been reported in the literature in individuals affected with PRKDC-related conditions. ClinVar contains an entry for this variant (Variation ID: 1717436). Advanced modeling of protein sequence and biophysical properties (such as structural, functional, and spatial information, amino acid conservation, physicochemical variation, residue mobility, and thermodynamic stability) performed at Invitae indicates that this missense variant is not expected to disrupt PRKDC protein function. In summary, the available evidence is currently insufficient to determine the role of this variant in disease. Therefore, it has been classified as a Variant of Uncertain Significance.